The following is an entry in ClinVar:

NM_212482.4(FN1):c.2807G>A (p.Gly936Asp)

Gene: FN1 (fibronectin 1; minus strand). Cytogenetic location: 2q35.
Variant type: single nucleotide variant.
Coding change: c.2807G>A on transcript NM_212482.4 (MANE Select); coding-DNA position 2807, G replaced by A.
Protein change: p.Gly936Asp; replaces glycine 936 with aspartic acid.
Molecular consequence: missense variant.
Genome position (GRCh38, 1-based): chr2:215,406,417, C>T on the plus strand (G>A on the coding strand, the complement: FN1 is on the minus strand). VCF-style: chr2-215406417-C-T. GRCh37 (hg19) VCF-style: chr2-216271140-C-T.
Other names: c.2807G>A, p.Gly936Asp (NM_001306129.2, NM_001306130.2, NM_001306131.2 and 13 more transcripts); short protein forms G936D.
Identifiers: ClinVar variation 2732007 (VCV002732007.3), dbSNP rs2470038123, ClinGen allele CA350489986.
Genomic context (GRCh38, chr2:215,406,417, plus strand): 5'-ATGGGCAGCCTCTGCCCGTGCTCGCCAGGCAGGTTGACGGGGATCACATCCACACGGTAG[C>T]CGGTCACTGCACTCTCAGGCGGTGTCCACATGATGGTGACCTTCACGTCTGTCACTTCCA-3'
Protein context (NP_997647.2, residues 926-946): MWTPPESAVT[Gly936Asp]YRVDVIPVNL

ClinVar aggregate classification (germline): Uncertain significance (1 of 4 stars; one submission).

Submission:

Labcorp Genetics (formerly Invitae), Labcorp
Classification: Uncertain significance. Last evaluated: 2023-06-28. Review status: criteria provided, single submitter. Criteria: Invitae Variant Classification Sherloc (09022015). Collection method: clinical testing. Allele origin: germline.
Comment: In summary, the available evidence is currently insufficient to determine the role of this variant in disease. Therefore, it has been classified as a Variant of Uncertain Significance. This sequence change replaces glycine, which is neutral and non-polar, with aspartic acid, which is acidic and polar, at codon 936 of the FN1 protein (p.Gly936Asp). Advanced modeling of protein sequence and biophysical properties (such as structural, functional, and spatial information, amino acid conservation, physicochemical variation, residue mobility, and thermodynamic stability) performed at Invitae indicates that this missense variant is not expected to disrupt FN1 protein function. This variant has not been reported in the literature in individuals affected with FN1-related conditions. This variant is not present in population databases (gnomAD no frequency).